The following is an entry in ClinVar:

NM_001447.3(FAT2):c.6437G>T (p.Arg2146Leu)

Genes: FAT2 (FAT atypical cadherin 2; minus strand), SLC36A1 (solute carrier family 36 member 1; plus strand). Cytogenetic location: 5q33.1.
Variant type: single nucleotide variant.
Coding change: c.6437G>T on transcript NM_001447.3 (MANE Select); coding-DNA position 6437, G replaced by T.
Protein change: p.Arg2146Leu; replaces arginine 2146 with leucine.
Molecular consequence: missense variant.
Genome position (GRCh38, 1-based): chr5:151,544,690, C>A on the plus strand (G>T on the coding strand, the complement: FAT2 is on the minus strand). VCF-style: chr5-151544690-C-A. GRCh37 (hg19) VCF-style: chr5-150924251-C-A.
Other names: c.6437G>T (NM_001447.2); short protein forms R2146L.
Identifiers: ClinVar variation 2140145 (VCV002140145.5), dbSNP rs141929328, ClinGen allele CA3521110.

ClinVar aggregate classification (germline): Uncertain significance. Review status: criteria provided, multiple submitters, no conflicts (2 of 4 stars). 2 submissions from 2 submitters: Uncertain significance (2). Last evaluated 2025-02-27.

gnomAD v4.1: 62 of 1,613,980 alleles (0.0038%); highest among the groups gnomAD compares: African/African-American, 0.071%; 1 homozygote.

Submissions (2):

Labcorp Genetics (formerly Invitae), Labcorp
Classification: Uncertain significance. Last evaluated: 2025-02-27. Review status: criteria provided, single submitter. Criteria: Invitae Variant Classification Sherloc (09022015). Collection method: clinical testing. Allele origin: germline.
Comment: This sequence change replaces arginine, which is basic and polar, with leucine, which is neutral and non-polar, at codon 2146 of the FAT2 protein (p.Arg2146Leu). This variant is present in population databases (rs141929328, gnomAD 0.1%), and has an allele count higher than expected for a pathogenic variant. This variant has not been reported in the literature in individuals affected with FAT2-related conditions. ClinVar contains an entry for this variant (Variation ID: 2140145). Invitae Evidence Modeling of protein sequence and biophysical properties (such as structural, functional, and spatial information, amino acid conservation, physicochemical variation, residue mobility, and thermodynamic stability) has been performed for this missense variant. However, the output from this modeling did not meet the statistical confidence thresholds required to predict the impact of this variant on FAT2 protein function. In summary, the available evidence is currently insufficient to determine the role of this variant in disease. Therefore, it has been classified as a Variant of Uncertain Significance.

Ambry Genetics
Classification: Uncertain significance. Last evaluated: 2024-10-03. Review status: criteria provided, single submitter. Criteria: Ambry Variant Classification Scheme 2023. Collection method: clinical testing. Allele origin: germline.